The following is an entry in ClinVar:

ClinVar aggregate classification (germline): Benign/Likely benign. Review status: criteria provided, multiple submitters, no conflicts (2 of 4 stars). 8 submissions from 6 submitters: Benign (6); Likely benign (2). Last evaluated 2026-02-04.

Conditions:
Budd-Chiari syndrome (BDCHS). Also called: Hepatic vein obstruction. Identifiers: Orphanet 131, MedGen C0856761, MONDO:0010947, OMIM 600880, HP:0002639.
Factor V deficiency. Also called: Reduced coagulation factor V activity. Identifiers: Orphanet 326, MedGen C4317320, MONDO:0020586, HP:0003225.
Thrombophilia due to thrombin defect (THPH1). Also called: Thrombosis susceptibility; THROMBOPHILIA DUE TO FACTOR 2 DEFECT; Prothrombin-Related Thrombophilia (Factor II); Prothrombin Thrombophilia. Identifiers: MedGen C3160733, MONDO:0008559, OMIM 188050. Disease mechanism: gain of function, loss of function.
Congenital factor V deficiency. Also called: LABILE FACTOR DEFICIENCY; OWREN PARAHEMOPHILIA; PARAHEMOPHILIA; Hereditary factor V deficiency disease. Identifiers: Orphanet 326, MedGen C0015499, MONDO:0009210, OMIM 227400.

Allele frequency attached by ClinVar (database versions not stated): ESP Exome Variant Server 0.03698; gnomAD 0.04654 and 0.05054; TOPMed 0.05911; ExAC 0.07289; gnomAD exomes 0.07796; 1000 Genomes Project 30x 0.09072; 1000 Genomes Project 0.09405.
gnomAD v4.1: 80,662 of 1,613,180 alleles (5%); highest among the groups gnomAD compares: Admixed American, 18%; 3,223 homozygotes.

Submissions (8):

Labcorp Genetics (formerly Invitae), Labcorp
Classification: Benign for Congenital factor V deficiency. Last evaluated: 2026-02-04. Review status: criteria provided, single submitter. Criteria: Invitae Variant Classification Sherloc (09022015). Collection method: clinical testing. Allele origin: germline.

Blueprint Genetics
Classification: Likely benign. Last evaluated: 2024-11-26. Review status: criteria provided, single submitter. Criteria: ACMG Guidelines, 2015. Collection method: clinical testing. Allele origin: germline.

GeneDx
Classification: Benign. Last evaluated: 2018-11-11. Review status: criteria provided, single submitter. Criteria: GeneDx Variant Classification Process June 2021. Collection method: clinical testing. Allele origin: germline. Affected: yes.
Comment: This variant is associated with the following publications: (PMID: 22353194, 27884173)

Illumina Laboratory Services, Illumina
Classification: Benign for Congenital factor V deficiency. Last evaluated: 2018-01-13. Review status: criteria provided, single submitter. Criteria: ICSL Variant Classification Criteria 13 December 2019. Collection method: clinical testing. Allele origin: germline.
Comment: This variant was observed in the ICSL laboratory as part of a predisposition screen in an ostensibly healthy population. It had not been previously curated by ICSL or reported in the Human Gene Mutation Database (HGMD: prior to June 1st, 2018), and was therefore a candidate for classification through an automated scoring system. Utilizing variant allele frequency, disease prevalence and penetrance estimates, and inheritance mode, an automated score was calculated to assess if this variant is too frequent to cause the disease. Based on the score and internal cut-off values, a variant classified as benign is not then subjected to further curation. The score for this variant resulted in a classification of benign for this disease.

Illumina Laboratory Services, Illumina
Classification: Benign for Budd-Chiari syndrome. Last evaluated: 2018-01-13. Review status: criteria provided, single submitter. Criteria: ICSL Variant Classification Criteria 13 December 2019. Collection method: clinical testing. Allele origin: germline.
Comment: the same text as in the submission from Illumina Laboratory Services, Illumina above.

Illumina Laboratory Services, Illumina
Classification: Benign for Venous thrombosis. Last evaluated: 2018-01-13. Review status: criteria provided, single submitter. Criteria: ICSL Variant Classification Criteria 13 December 2019. Collection method: clinical testing. Allele origin: germline.
Comment: the same text as in the submission from Illumina Laboratory Services, Illumina above.

Mayo Clinic Laboratories, Mayo Clinic
Classification: Benign. Last evaluated: 2016-05-26. Review status: criteria provided, single submitter. Criteria: ACMG Guidelines, 2015. Collection method: clinical testing. Allele origin: germline. Observed: 20 variant alleles.

Breakthrough Genomics
Classification: Likely benign. Review status: criteria provided, single submitter. Criteria: ACMG Guidelines, 2015. Collection method: not provided. Allele origin: germline. Inheritance: Autosomal recessive inheritance. Affected: yes.

NM_000130.5(F5):c.4210C>T (p.Pro1404Ser)

Gene: F5 (coagulation factor V; minus strand). Cytogenetic location: 1q24.2.
Variant type: single nucleotide variant.
Coding change: c.4210C>T on transcript NM_000130.5 (MANE Select); coding-DNA position 4210, C replaced by T.
Protein change: p.Pro1404Ser; replaces proline 1404 with serine.
Molecular consequence: missense variant.
Genome position (GRCh38, 1-based): chr1:169,540,880, G>A on the plus strand (C>T on the coding strand, the complement: F5 is on the minus strand). VCF-style: chr1-169540880-G-A. GRCh37 (hg19) VCF-style: chr1-169510118-G-A.
Other names: short protein forms P1404S.
Identifiers: ClinVar variation 293599 (VCV000293599.13), dbSNP rs9332608, ClinGen allele CA1233737.
Genomic context (GRCh38, chr1:169,540,880, plus strand): 5'-AGTTTGGGGAAAGATCTGTCTCACCAAGGTCTGGAGAAAGTGTCATCTGGTCGAGGTCTG[G>A]GGTAAGGGGAATTTGACTGAGATCTGCAAAGAGGGGCATCTCACTGAGGTCTGGGGAAAG-3'
Protein context (NP_000121.2, residues 1394-1414): FADLSQIPLT[Pro1404Ser]DLDQMTLSPD